The following is an entry in ClinVar:

ClinVar aggregate classification (germline): Uncertain significance. Review status: criteria provided, multiple submitters, no conflicts (2 of 4 stars). 3 submissions from 3 submitters: Uncertain significance (2). 1 of the submissions does not count toward it. Last evaluated 2025-03-01.

Conditions:
Thrombophilia due to protein C deficiency, autosomal recessive. Also called: PROC DEFICIENCY, AUTOSOMAL RECESSIVE; PROTEIN C DEFICIENCY, AUTOSOMAL RECESSIVE. Identifiers: Orphanet 745, MedGen C2676759, MONDO:0012860, OMIM 612304.
Thrombophilia due to protein C deficiency, autosomal dominant. Also called: PROC DEFICIENCY, AUTOSOMAL DOMINANT; PROTEIN C DEFICIENCY, AUTOSOMAL DOMINANT. Identifiers: Orphanet 745, MedGen C2674321, MONDO:0008316, OMIM 176860. Disease mechanism: loss of function.

Allele frequency attached by ClinVar (database versions not stated): ExAC 0.00004; gnomAD exomes 0.00005; TOPMed 0.00007; gnomAD 0.00010 and 0.00011; ESP Exome Variant Server 0.00023.

Submissions (3):

CeGaT Center for Human Genetics Tuebingen
Classification: Uncertain significance. Last evaluated: 2025-03-01. Review status: criteria provided, single submitter. Criteria: CeGaT Center For Human Genetics Tuebingen Variant Classification Criteria Version 2. Collection method: clinical testing. Allele origin: germline. Affected: yes. Observed: 1 variant allele.

Fulgent Genetics
Classification: Uncertain significance for Thrombophilia due to protein C deficiency, autosomal dominant; Thrombophilia due to protein C deficiency, autosomal recessive. Last evaluated: 2022-04-28. Review status: criteria provided, single submitter. Criteria: ACMG Guidelines, 2015. Collection method: clinical testing. Allele origin: unknown.

CSER _CC_NCGL, University of Washington
Classification: Uncertain significance for Protein C deficiency. Last evaluated: 2014-06-01. Review status: no assertion criteria provided. Collection method: research. Allele origin: germline. Inheritance: Autosomal dominant inheritance. Study: ESP 6500 variant annotation. Not counted in ClinVar's aggregate classification.
Comment: Variants classified for the Actionable exomic incidental findings in 6503 participants: challenges of variant classification manuscript

NM_000312.4(PROC):c.1234G>A (p.Gly412Ser)

Gene: PROC (protein C, inactivator of coagulation factors Va and VIIIa; plus strand). Cytogenetic location: 2q14.3.
Variant type: single nucleotide variant.
Coding change: c.1234G>A on transcript NM_000312.4 (MANE Select); coding-DNA position 1234, G replaced by A.
Protein change: p.Gly412Ser; replaces glycine 412 with serine.
Molecular consequence: missense variant.
Genome position (GRCh38, 1-based): chr2:127,428,794, G>A. VCF-style: chr2-127428794-G-A. GRCh37 (hg19) VCF-style: chr2-128186370-G-A.
Other names: c.1417G>A, p.Gly473Ser (NM_001375602.1); c.1399G>A, p.Gly467Ser (NM_001375603.1); c.1297G>A, p.Gly433Ser (NM_001375604.1); c.1336G>A, p.Gly446Ser (NM_001375605.1); c.1402G>A, p.Gly468Ser (NM_001375606.1); c.1420G>A, p.Gly474Ser (NM_001375607.1); c.1177G>A, p.Gly393Ser (NM_001375608.1); c.1210G>A, p.Gly404Ser (NM_001375609.1); and 2 more; short protein forms G412S, G393S, G404S, G410S, G433S, G446S, G467S, G468S.
Identifiers: ClinVar variation 161336 (VCV000161336.10), dbSNP rs139741458, ClinGen allele CA211715.